The following is an entry in ClinVar:

ClinVar aggregate classification (germline): Uncertain significance. Review status: criteria provided, multiple submitters, no conflicts (2 of 4 stars). 2 submissions from 2 submitters: Uncertain significance (2). Last evaluated 2025-08-04.

Conditions:
Inborn genetic diseases. Identifiers: MedGen C0950123, MeSH D030342.
Immunodeficiency 104. Also called: Severe combined immunodeficiency, autosomal recessive, T cell-negative, B cell-positive, NK cell-positive; SCID, AUTOSOMAL RECESSIVE, T CELL-NEGATIVE, B CELL-POSITIVE, NK CELL-POSITIVE; Severe Combined Immune Deficiency, Autosomal Recessive, TCell -Negative, B Cell-Positive, NK Cell-Positive, IL7R-Related; IMMUNODEFICIENCY 104, SEVERE COMBINED. Identifiers: MedGen C5676890, MONDO:0012163, OMIM 608971.

gnomAD v4.1: 7 of 1,614,210 alleles (0.00043%); highest among the groups gnomAD compares: Admixed American, 0.012%; no homozygotes.

Submissions (2):

Ambry Genetics
Classification: Uncertain significance for Inborn genetic diseases. Last evaluated: 2025-08-04. Review status: criteria provided, single submitter. Criteria: Ambry Variant Classification Scheme 2023. Collection method: clinical testing. Allele origin: germline.

Labcorp Genetics (formerly Invitae), Labcorp
Classification: Uncertain significance for Immunodeficiency 104. Last evaluated: 2025-04-14. Review status: criteria provided, single submitter. Criteria: Invitae Variant Classification Sherloc (09022015). Collection method: clinical testing. Allele origin: germline.
Comment: This sequence change replaces asparagine, which is neutral and polar, with histidine, which is basic and polar, at codon 133 of the PTPRC protein (p.Asn133His). This variant is present in population databases (rs747294735, gnomAD 0.02%). This variant has not been reported in the literature in individuals affected with PTPRC-related conditions. An algorithm developed to predict the effect of missense changes on protein structure and function (PolyPhen-2) suggests that this variant is likely to be tolerated. In summary, the available evidence is currently insufficient to determine the role of this variant in disease. Therefore, it has been classified as a Variant of Uncertain Significance.

NM_002838.5(PTPRC):c.397A>C (p.Asn133His)

Gene: PTPRC (protein tyrosine phosphatase receptor type C; plus strand). Cytogenetic location: 1q31.3.
Variant type: single nucleotide variant.
Coding change: c.397A>C on transcript NM_002838.5 (MANE Select); coding-DNA position 397, A replaced by C.
Protein change: p.Asn133His; replaces asparagine 133 with histidine.
Molecular consequence: missense variant. On other transcripts: intron variant (1).
Genome position (GRCh38, 1-based): chr1:198,699,662, A>C. VCF-style: chr1-198699662-A-C. GRCh37 (hg19) VCF-style: chr1-198668791-A-C.
Other names: c.101-3636A>C (NM_080921.4); short protein forms N133H.
Identifiers: ClinVar variation 4147693 (VCV004147693.2).
Genomic context (GRCh38, chr1:198,699,662, plus strand): 5'-GCAGACTCGCAGACGCCCTCTGCTGGAACTGACACGCAGACATTCAGCGGCTCCGCCGCC[A>C]ATGCAAAACTCAACCCTACCCCAGGCAGCAATGCTATCTCAGGTTTGCGGGTCCTTTAGA-3'
Protein context (NP_002829.3, residues 123-143): DTQTFSGSAA[Asn133His]AKLNPTPGSN